The following is an entry in ClinVar:

ClinVar aggregate classification (germline): Uncertain significance (1 of 4 stars; one submission).

Allele frequency attached by ClinVar (database versions not stated): gnomAD 0.00002.

Submission:

Labcorp Genetics (formerly Invitae), Labcorp
Classification: Uncertain significance. Last evaluated: 2023-09-17. Review status: criteria provided, single submitter. Criteria: Invitae Variant Classification Sherloc (09022015). Collection method: clinical testing. Allele origin: germline.
Comment: In summary, the available evidence is currently insufficient to determine the role of this variant in disease. Therefore, it has been classified as a Variant of Uncertain Significance. Advanced modeling of protein sequence and biophysical properties (such as structural, functional, and spatial information, amino acid conservation, physicochemical variation, residue mobility, and thermodynamic stability) performed at Invitae indicates that this missense variant is not expected to disrupt WNT1 protein function. This variant has not been reported in the literature in individuals affected with WNT1-related conditions. This variant is present in population databases (no rsID available, gnomAD 0.005%). This sequence change replaces glycine, which is neutral and non-polar, with serine, which is neutral and polar, at codon 262 of the WNT1 protein (p.Gly262Ser).

NM_005430.4(WNT1):c.784G>A (p.Gly262Ser)

Gene: WNT1 (Wnt family member 1; plus strand). Cytogenetic location: 12q13.12.
Variant type: single nucleotide variant.
Coding change: c.784G>A on transcript NM_005430.4 (MANE Select); coding-DNA position 784, G replaced by A.
Protein change: p.Gly262Ser; replaces glycine 262 with serine.
Molecular consequence: missense variant.
Genome position (GRCh38, 1-based): chr12:48,981,311, G>A. VCF-style: chr12-48981311-G-A. GRCh37 (hg19) VCF-style: chr12-49375094-G-A.
Other names: short protein forms G262S.
Identifiers: ClinVar variation 2890042 (VCV002890042.3), dbSNP rs1200766008, ClinGen allele CA384635309.
Genomic context (GRCh38, chr12:48,981,311, plus strand): 5'-GTGGGCGATGTGCTGCGCGACCGCTTCGACGGCGCCTCGCGCGTCCTGTACGGCAACCGC[G>A]GCAGCAACCGCGCTTCGCGGGCGGAGCTGCTGCGCCTGGAGCCGGAAGACCCGGCCCACA-3'
Protein context (NP_005421.1, residues 252-272): GASRVLYGNR[Gly262Ser]SNRASRAELL